The following is an entry in ClinVar:

NM_194248.3(OTOF):c.1506G>A (p.Ser502=)

Gene: OTOF (otoferlin; minus strand). Cytogenetic location: 2p23.3.
Variant type: single nucleotide variant.
Coding change: c.1506G>A on transcript NM_194248.3 (MANE Select); coding-DNA position 1506, G replaced by A.
Protein change: p.Ser502=; no amino-acid change (serine 502 retained).
Molecular consequence: synonymous variant.
Genome position (GRCh38, 1-based): chr2:26,482,479, C>T on the plus strand (G>A on the coding strand, the complement: OTOF is on the minus strand). VCF-style: chr2-26482479-C-T. GRCh37 (hg19) VCF-style: chr2-26705347-C-T.
Other names: c.1506G>A, p.Ser502= (NM_001287489.2).
Identifiers: ClinVar variation 48172 (VCV000048172.16), dbSNP rs199713499, ClinGen allele CA142746.
Genomic context (GRCh38, chr2:26,482,479, plus strand): 5'-ATTAGAAATCTTGCGCAGGTCAATGAAGTGGGTGCCGATGGCCACGTCGTTGACCTTGTC[C>T]GAGTCTCGGATCTGCACCTTCATGCGTTTGCAGAGTGGGGGGAAGAGGTCTGTAAAGACG-3'
Protein context (NP_919224.1, residues 492-512): CKRMKVQIRD[Ser502=]DKVNDVAIGT

ClinVar aggregate classification (germline): Benign/Likely benign. Review status: criteria provided, multiple submitters, no conflicts (2 of 4 stars). 4 submissions from 4 submitters: Benign (1); Likely benign (3). Last evaluated 2025-12-22.

Allele frequency attached by ClinVar (database versions not stated): 1000 Genomes Project 0.00020; ExAC 0.00020; gnomAD exomes 0.00035; TOPMed 0.00038; 1000 Genomes Project 30x 0.00016; gnomAD 0.00019.
gnomAD v4.1: 145 of 1,613,354 alleles (0.009%); highest among the groups gnomAD compares: Admixed American, 0.22%; 2 homozygotes.

Submissions (4):

Labcorp Genetics (formerly Invitae), Labcorp
Classification: Benign. Last evaluated: 2025-12-22. Review status: criteria provided, single submitter. Criteria: Invitae Variant Classification Sherloc (09022015). Collection method: clinical testing. Allele origin: germline.

Blueprint Genetics
Classification: Likely benign. Last evaluated: 2023-06-19. Review status: criteria provided, single submitter. Criteria: ACMG Guidelines, 2015. Collection method: clinical testing. Allele origin: germline.

GeneDx
Classification: Likely benign. Last evaluated: 2021-05-20. Review status: criteria provided, single submitter. Criteria: GeneDx Variant Classification Process June 2021. Collection method: clinical testing. Allele origin: germline. Affected: yes.

Laboratory for Molecular Medicine, Mass General Brigham Personalized Medicine
Classification: Likely benign. Last evaluated: 2015-11-05. Review status: criteria provided, single submitter. Criteria: LMM Criteria. Collection method: clinical testing. Allele origin: germline. Observed: 3 variant alleles.
Comment: p.Ser502Ser in exon 14 of OTOF: This variant is not expected to have clinical si gnificance because it does not alter an amino acid residue and is not located wi thin the splice consensus sequence. It has been identified in 0.2% (23/11558) of Latino chromosomes by the Exome Aggregation Consortium (ExAC;dbSNP rs199713499).